The following is an entry in ClinVar:

NM_001276270.2(MBD4):c.1272A>G (p.Pro424=)

Gene: MBD4 (methyl-CpG binding domain 4, DNA glycosylase; minus strand). Cytogenetic location: 3q21.3.
Variant type: single nucleotide variant.
Coding change: c.1272A>G on transcript NM_001276270.2 (MANE Select); coding-DNA position 1272, A replaced by G.
Protein change: p.Pro424=; no amino-acid change (proline 424 retained).
Molecular consequence: synonymous variant.
Genome position (GRCh38, 1-based): chr3:129,433,971, T>C on the plus strand (A>G on the coding strand, the complement: MBD4 is on the minus strand). VCF-style: chr3-129433971-T-C. GRCh37 (hg19) VCF-style: chr3-129152814-T-C.
Other names: c.1290A>G, p.Pro430= (NM_001276271.2, NM_001276272.2, NM_003925.3); c.336A>G, p.Pro112= (NM_001276273.2).
Identifiers: ClinVar variation 725271 (VCV000725271.7), dbSNP rs895290906, ClinGen allele CA82627546.

ClinVar aggregate classification (germline): Benign/Likely benign. Review status: criteria provided, multiple submitters, no conflicts (2 of 4 stars). 3 submissions from 3 submitters: Benign (1); Likely benign (2). Last evaluated 2026-06-11.

Conditions:
Inborn genetic diseases. Identifiers: MedGen C0950123, MeSH D030342.
Tumor predisposition syndrome 2 (TPDS2). Also called: MBD4-Related Tumor Predisposition Syndrome; MBD4-associated neoplasia syndrome (MANS); MBD4-ASSOCIATED NEOPLASIA SYNDROME. Identifiers: Orphanet 661526, MedGen C5774186, MONDO:0859267, OMIM 619975.

Allele frequency attached by ClinVar (database versions not stated): gnomAD exomes below 0.00001; TOPMed 0.00001; gnomAD 0.00003.
gnomAD v4.1: 5 of 1,614,014 alleles (0.00031%); highest among the groups gnomAD compares: African/African-American, 0.0067%; no homozygotes.

Submissions (3):

Myriad Genetics, Inc.
Classification: Benign for Tumor predisposition syndrome 2. Last evaluated: 2026-06-11. Review status: criteria provided, single submitter. Criteria: Myriad Autosomal Dominant, Autosomal Recessive and X-Linked Classification Criteria (2023). Collection method: clinical testing. Allele origin: unknown.
Comment: This variant is considered benign. This variant is a silent/synonymous amino acid change and it is not expected to impact splicing.

Labcorp Genetics (formerly Invitae), Labcorp
Classification: Likely benign. Last evaluated: 2026-02-03. Review status: criteria provided, single submitter. Criteria: Invitae Variant Classification Sherloc (09022015). Collection method: clinical testing. Allele origin: germline.

Ambry Genetics
Classification: Likely benign for Inborn genetic diseases. Last evaluated: 2024-12-14. Review status: criteria provided, single submitter. Criteria: Ambry Variant Classification Scheme 2023. Collection method: clinical testing. Allele origin: germline.